The following is an entry in ClinVar:

ClinVar aggregate classification (germline): Uncertain significance. Review status: criteria provided, multiple submitters, no conflicts (2 of 4 stars). 4 submissions from 4 submitters: Uncertain significance (3). 1 of the submissions does not count toward it. Last evaluated 2024-12-18.

Conditions:
Nephronophthisis 14 (NPHP14). Identifiers: Orphanet 2318, MedGen C3539071, MONDO:0013916, OMIM 614844.

Allele frequency attached by ClinVar (database versions not stated): ESP Exome Variant Server 0.00015; gnomAD exomes 0.00015 and 0.00018; 1000 Genomes Project 0.00020; gnomAD 0.00023; TOPMed 0.00028; 1000 Genomes Project 30x 0.00031.
gnomAD v4.1: 250 of 1,613,276 alleles (0.015%); highest among the groups gnomAD compares: Middle Eastern, 0.049%; no homozygotes.

Submissions (4):

Genomic Medicine Center of Excellence, King Faisal Specialist Hospital and Research Centre
Classification: Uncertain significance for Nephronophthisis 14. Last evaluated: 2024-12-18. Review status: criteria provided, single submitter. Criteria: ACMG Guidelines, 2015. Collection method: clinical testing. Allele origin: germline.

Blueprint Genetics
Classification: Uncertain significance. Last evaluated: 2024-11-28. Review status: criteria provided, single submitter. Criteria: ACMG Guidelines, 2015. Collection method: clinical testing. Allele origin: germline.

Labcorp Genetics (formerly Invitae), Labcorp
Classification: Uncertain significance for Nephronophthisis 14. Last evaluated: 2023-10-22. Review status: criteria provided, single submitter. Criteria: Invitae Variant Classification Sherloc (09022015). Collection method: clinical testing. Allele origin: germline.
Comment: This sequence change replaces proline, which is neutral and non-polar, with leucine, which is neutral and non-polar, at codon 913 of the ZNF423 protein (p.Pro913Leu). This variant is present in population databases (rs200585917, gnomAD 0.03%). This missense change has been observed in individual(s) with nephronophthisis (PMID: 22863007). ClinVar contains an entry for this variant (Variation ID: 37287). Advanced modeling of protein sequence and biophysical properties (such as structural, functional, and spatial information, amino acid conservation, physicochemical variation, residue mobility, and thermodynamic stability) has been performed at Invitae for this missense variant, however the output from this modeling did not meet the statistical confidence thresholds required to predict the impact of this variant on ZNF423 protein function. Experimental studies have shown that this missense change does not substantially affect ZNF423 function (PMID: 22863007, 32925911). In summary, the available evidence is currently insufficient to determine the role of this variant in disease. Therefore, it has been classified as a Variant of Uncertain Significance.

OMIM
Classification: Pathogenic for NEPHRONOPHTHISIS 14. Last evaluated: 2012-08-03. Review status: no assertion criteria provided. Collection method: literature only. Allele origin: germline. Not counted in ClinVar's aggregate classification.

Literature cited by the submitters: PubMed 22863007 (cited by Labcorp Genetics (formerly Invitae), Labcorp and OMIM); PubMed 32925911 (cited by Labcorp Genetics (formerly Invitae), Labcorp).

NM_001379286.1(ZNF423):c.2762C>T (p.Pro921Leu)

Gene: ZNF423 (zinc finger protein 423; minus strand). Cytogenetic location: 16q12.1.
Variant type: single nucleotide variant.
Coding change: c.2762C>T on transcript NM_001379286.1 (MANE Select); coding-DNA position 2762, C replaced by T.
Protein change: p.Pro921Leu; replaces proline 921 with leucine.
Molecular consequence: missense variant.
Genome position (GRCh38, 1-based): chr16:49,636,414, G>A on the plus strand (C>T on the coding strand, the complement: ZNF423 is on the minus strand). VCF-style: chr16-49636414-G-A. GRCh37 (hg19) VCF-style: chr16-49670325-G-A.
Other names: c.2558C>T, p.Pro853Leu (NM_001271620.2); c.2387C>T, p.Pro796Leu (NM_001330533.2); c.2738C>T, p.Pro913Leu (NM_015069.5); c.2738C>T (NM_015069.4); short protein forms P913L, P853L, P796L, P921L.
Identifiers: ClinVar variation 37287 (VCV000037287.10), dbSNP rs200585917, ClinGen allele CA130143.